The following is an entry in ClinVar:

NM_001244008.2(KIF1A):c.1421+2T>A

Gene: KIF1A (kinesin family member 1A; minus strand). Cytogenetic location: 2q37.3.
Variant type: single nucleotide variant.
Coding change: c.1421+2T>A on transcript NM_001244008.2 (MANE Select); the canonical splice donor site of the intron after coding-DNA position 1421, T replaced by A.
Molecular consequence: splice donor variant.
Genome position (GRCh38, 1-based): chr2:240,769,625, A>T on the plus strand (T>A on the coding strand, the complement: KIF1A is on the minus strand). VCF-style: chr2-240769625-A-T. GRCh37 (hg19) VCF-style: chr2-241709042-A-T.
Other names: c.1394+2T>A (NM_001379653.1, NM_001379650.1, NM_001379645.1 and 10 more transcripts); c.1496+2T>A (NM_001379635.1, NM_001330290.2, NM_001379646.1 and 2 more transcripts); c.1469+2T>A (NM_001379637.1, NM_001379648.1); c.1421+2T>A (NM_001320705.2, NM_001379638.1, NM_001330289.2).
Identifiers: ClinVar variation 532873 (VCV000532873.7), dbSNP rs751051049, ClinGen allele CA351329743.

ClinVar aggregate classification (germline): Likely pathogenic (1 of 4 stars; one submission).

Conditions:
Neuropathy, hereditary sensory, type 2C. Also called: KIF1A-Related HSAN2 (HSAN2C); Hereditary sensory and autonomic neuropathy type IIC. Identifiers: Orphanet 970, MedGen C3280168, MONDO:0013634, OMIM 614213.
Intellectual disability, autosomal dominant 9 (NESCAVS). Also called: NESCAV SYNDROME; KIF1A-Related Neurodevelopmental Disorder. Identifiers: Orphanet 662367, MedGen C5393830, MONDO:0013656, OMIM 614255.
Hereditary spastic paraplegia 30. Identifiers: Orphanet 101010, MedGen C5235139, MONDO:0012476.

Submission:

Labcorp Genetics (formerly Invitae), Labcorp
Classification: Likely pathogenic for Hereditary spastic paraplegia 30; Neuropathy, hereditary sensory, type 2C; Intellectual disability, autosomal dominant 9. Last evaluated: 2024-05-22. Review status: criteria provided, single submitter. Criteria: Invitae Variant Classification Sherloc (09022015). Collection method: clinical testing. Allele origin: germline.
Comment: This sequence change affects a donor splice site in intron 14 of the KIF1A gene. It is expected to disrupt RNA splicing. Variants that disrupt the donor or acceptor splice site typically lead to a loss of protein function (PMID: 16199547), and loss-of-function variants in KIF1A are known to be pathogenic (PMID: 21820098). This variant is not present in population databases (gnomAD no frequency). This variant has not been reported in the literature in individuals affected with KIF1A-related conditions. ClinVar contains an entry for this variant (Variation ID: 532873). Algorithms developed to predict the effect of sequence changes on RNA splicing suggest that this variant may disrupt the consensus splice site. In summary, the currently available evidence indicates that the variant is pathogenic, but additional data are needed to prove that conclusively. Therefore, this variant has been classified as Likely Pathogenic.

Literature cited by the submitters: PubMed 16199547; PubMed 21820098.